The following is an entry in ClinVar:

NM_001191061.2(SLC25A22):c.579G>A (p.Thr193=)

Gene: SLC25A22 (solute carrier family 25 member 22; minus strand). Cytogenetic location: 11p15.5.
Variant type: single nucleotide variant.
Coding change: c.579G>A on transcript NM_001191061.2 (MANE Select); coding-DNA position 579, G replaced by A.
Protein change: p.Thr193=; no amino-acid change (threonine 193 retained).
Molecular consequence: synonymous variant.
Genome position (GRCh38, 1-based): chr11:792,561, C>T on the plus strand (G>A on the coding strand, the complement: SLC25A22 is on the minus strand). VCF-style: chr11-792561-C-T. GRCh37 (hg19) VCF-style: chr11-792561-C-T.
Other names: c.579G>A, p.Thr193= (NM_001191060.2, NM_024698.6); c.579G>A (NM_001191060.1).
Identifiers: ClinVar variation 198592 (VCV000198592.22), dbSNP rs141430143, ClinGen allele CA247329.

ClinVar aggregate classification (germline): Conflicting classifications of pathogenicity. Review status: criteria provided, conflicting classifications (1 of 4 stars). 5 submissions from 5 submitters: Uncertain significance (1); Benign (1); Likely benign (2). 1 of the submissions does not count toward it. Last evaluated 2025-08-04.

Conditions:
Early-infantile DEE. Also called: Early infantile epileptic encephalopathy; Early infantile epileptic encephalopathy with suppression bursts; Ohtahara syndrome. Identifiers: Orphanet 1934, MedGen C0393706, MONDO:0800491.
SLC25A22-related disorder. Also called: SLC25A22-related condition.
Inborn genetic diseases. Identifiers: MedGen C0950123, MeSH D030342.

Allele frequency attached by ClinVar (database versions not stated): gnomAD exomes 0.00003 and 0.00007; ExAC 0.00005; ESP Exome Variant Server 0.00008; gnomAD 0.00009; TOPMed 0.00011; 1000 Genomes Project 0.00020; 1000 Genomes Project 30x 0.00031.
gnomAD v4.1: 58 of 1,612,250 alleles (0.0036%); highest among the groups gnomAD compares: Admixed American, 0.025%; no homozygotes.

Submissions (5):

Labcorp Genetics (formerly Invitae), Labcorp
Classification: Likely benign for Early-infantile DEE. Last evaluated: 2025-08-04. Review status: criteria provided, single submitter. Criteria: Invitae Variant Classification Sherloc (09022015). Collection method: clinical testing. Allele origin: germline.

Ambry Genetics
Classification: Likely benign for Inborn genetic diseases. Last evaluated: 2018-02-08. Review status: criteria provided, single submitter. Criteria: Ambry Variant Classification Scheme 2023. Collection method: clinical testing. Allele origin: germline.

Eurofins Ntd Llc (ga)
Classification: Uncertain significance. Last evaluated: 2017-05-12. Review status: criteria provided, single submitter. Criteria: EGL Classification Definitions 2015. Collection method: clinical testing. Allele origin: germline. Observed: 2 variant alleles, 2 heterozygotes.

GeneDx
Classification: Benign. Last evaluated: 2015-05-13. Review status: criteria provided, single submitter. Criteria: GeneDx Variant Classification (06012015). Collection method: clinical testing. Allele origin: germline. Affected: yes.
Comment: This variant is considered likely benign or benign based on one or more of the following criteria: it is a conservative change, it occurs at a poorly conserved position in the protein, it is predicted to be benign by multiple in silico algorithms, and/or has population frequency not consistent with disease.

PreventionGenetics, part of Exact Sciences
Classification: Likely benign for SLC25A22-related condition. Last evaluated: 2019-10-28. Review status: no assertion criteria provided. Collection method: clinical testing. Allele origin: germline. Not counted in ClinVar's aggregate classification.
Comment: This variant is classified as likely benign based on ACMG/AMP sequence variant interpretation guidelines (Richards et al. 2015 PMID: 25741868, with internal and published modifications).